The following is an entry in ClinVar:

NM_005262.3(GFER):c.173A>G (p.Asp58Gly)

Genes: GFER (growth factor, augmenter of liver regeneration; plus strand), LOC130058203 (ATAC-STARR-seq lymphoblastoid silent region 7014; plus strand). Cytogenetic location: 16p13.3.
Variant type: single nucleotide variant.
Coding change: c.173A>G on transcript NM_005262.3 (MANE Select); coding-DNA position 173, A replaced by G.
Protein change: p.Asp58Gly; replaces aspartic acid 58 with glycine.
Molecular consequence: missense variant.
Genome position (GRCh38, 1-based): chr16:1,984,391, A>G. VCF-style: chr16-1984391-A-G. GRCh37 (hg19) VCF-style: chr16-2034392-A-G.
Other names: short protein forms D58G.
Identifiers: ClinVar variation 1710604 (VCV001710604.2), dbSNP rs1173038923, ClinGen allele CA394301172.

ClinVar aggregate classification (germline): Uncertain significance (1 of 4 stars; one submission).

Allele frequency attached by ClinVar (database versions not stated): gnomAD exomes below 0.00001.

Submission:

GeneDx
Classification: Uncertain significance. Last evaluated: 2022-04-15. Review status: criteria provided, single submitter. Criteria: GeneDx Variant Classification Process June 2021. Collection method: clinical testing. Allele origin: germline. Affected: yes.
Comment: Not observed at significant frequency in large population cohorts (gnomAD); In silico analysis supports that this missense variant does not alter protein structure/function; Has not been previously published as pathogenic or benign to our knowledge